The following is an entry in ClinVar:

ClinVar aggregate classification (germline): Conflicting classifications of pathogenicity. Review status: criteria provided, conflicting classifications (1 of 4 stars). 10 submissions from 10 submitters: Uncertain significance (6); Likely benign (3). 1 of the submissions does not count toward it. Last evaluated 2025-10-14.

Conditions:
Hereditary cancer-predisposing syndrome. Also called: Tumor predisposition; Neoplastic Syndromes, Hereditary; Hereditary neoplastic syndrome; Hereditary Cancer Syndrome. Identifiers: Orphanet 140162, MedGen C0027672, MeSH D009386, MONDO:0015356.
Peutz-Jeghers syndrome (PJS). Also called: POLYPOSIS, HAMARTOMATOUS INTESTINAL; POLYPS-AND-SPOTS SYNDROME; Peutz-Jeghers polyposis; Periorificial lentiginosis syndrome. Identifiers: Orphanet 2869, MedGen C0031269, MeSH D010580, MONDO:0008280, OMIM 175200.

Allele frequency attached by ClinVar (database versions not stated): gnomAD 0.00003; TOPMed 0.00003.
gnomAD v4.1: 30 of 1,610,600 alleles (0.0019%); highest among the groups gnomAD compares: East Asian, 0.0045%; no homozygotes.

Submissions (10):

Labcorp Genetics (formerly Invitae), Labcorp
Classification: Likely benign for Peutz-Jeghers syndrome. Last evaluated: 2025-10-14. Review status: criteria provided, single submitter. Criteria: Invitae Variant Classification Sherloc (09022015). Collection method: clinical testing. Allele origin: germline.

Color Diagnostics, LLC DBA Color Health
Classification: Likely benign for Hereditary cancer-predisposing syndrome. Last evaluated: 2025-04-14. Review status: criteria provided, single submitter. Criteria: ACMG Guidelines, 2015. Collection method: clinical testing. Allele origin: germline.

Center for Genomic Medicine, Rigshospitalet, Copenhagen University Hospital
Classification: Uncertain significance. Last evaluated: 2025-03-04. Review status: criteria provided, single submitter. Criteria: ACMG Guidelines, 2015. Collection method: clinical testing. Allele origin: germline.

All of Us Research Program, National Institutes of Health
Classification: Uncertain significance for Peutz-Jeghers syndrome. Last evaluated: 2023-12-13. Review status: criteria provided, single submitter. Criteria: ACMG Guidelines, 2015. Collection method: clinical testing. Allele origin: germline. Inheritance: Autosomal dominant inheritance. Observed: 4 variant alleles, 4 heterozygotes.
Comment: This missense variant replaces threonine with methionine at codon 367 of the STK11 protein. Computational prediction suggests that this variant may not impact protein structure and function (internally defined REVEL score threshold <= 0.5, PMID: 27666373). Functional studies have shown that this variant retains STK11 auto-phosphorylation and growth arrest activities, but may be partially impaired for STK11-mediated activation of the AMPK pathway, nuclear export, and establishment and maintenance of cell polarity (PMID: 10676634, 15800014). This variant has not been reported in individuals affected with hereditary cancer in the literature. This variant has been identified in 5/273450 chromosomes in the general population by the Genome Aggregation Database (gnomAD). The available evidence is insufficient to determine the role of this variant in disease conclusively. Therefore, this variant is classified as a Variant of Uncertain Significance.

This study involves interpretation of variants in research participants for the purpose of population health screening. Participant phenotype was not available at the time of variant classification. Additional details can be found in publication PMID: 35346344, PMCID: PMC8962531

Myriad Genetics, Inc.
Classification: Uncertain significance for Peutz-Jeghers syndrome. Last evaluated: 2023-04-14. Review status: criteria provided, single submitter. Criteria: Myriad Autosomal Dominant, Autosomal Recessive and X-Linked Classification Criteria (2023). Collection method: clinical testing. Allele origin: unknown.
Comment: This variant is classified as a variant of uncertain significance as there is insufficient evidence to determine its impact on protein function and/or cancer risk.

GeneDx
Classification: Uncertain significance. Last evaluated: 2023-04-04. Review status: criteria provided, single submitter. Criteria: GeneDx Variant Classification Process June 2021. Collection method: clinical testing. Allele origin: germline. Affected: yes.
Comment: Not observed at significant frequency in large population cohorts (gnomAD); In silico analysis supports that this missense variant does not alter protein structure/function; Published functional studies are inconclusive: decrease in nucleus export efficiency and impairment of LKB1-mediated activation of the AMPK pathway with kinase activity, autophosphorylation, cellular localization, and colony formation similar to wild type (Launonen et al., 2000; Forcet et al., 2005); This variant is associated with the following publications: (PMID: 9731485, 14518068, 18774945, 26798439, 15800014, 10676634, 28900777)

Ambry Genetics
Classification: Likely benign for Hereditary cancer-predisposing syndrome. Last evaluated: 2023-03-06. Review status: criteria provided, single submitter. Criteria: Ambry Variant Classification Scheme 2023. Collection method: clinical testing. Allele origin: germline.

Genome-Nilou Lab
Classification: Uncertain significance for Peutz-Jeghers syndrome. Last evaluated: 2021-07-15. Review status: criteria provided, single submitter. Criteria: ACMG Guidelines, 2015. Collection method: clinical testing. Allele origin: germline. Affected: no.

Department of Pathology and Laboratory Medicine, Sinai Health System
Classification: Uncertain significance for Peutz-Jeghers syndrome. Last evaluated: 2021-05-05. Review status: criteria provided, single submitter. Criteria: ACMG Guidelines, 2015. Collection method: clinical testing. Allele origin: germline. Affected: yes.

Counsyl
Classification: Uncertain significance for Peutz-Jeghers syndrome. Last evaluated: 2016-04-13. Review status: no assertion criteria provided. Collection method: clinical testing. Allele origin: unknown. Not counted in ClinVar's aggregate classification.

Literature cited by the submitters: PubMed 15800014 (cited by 5 submitters); PubMed 10676634 (cited by 4 submitters); PubMed 9731485 (cited by Ambry Genetics); PubMed 34471991 (cited by Department of Pathology and Laboratory Medicine, Sinai Health System).

NM_000455.5(STK11):c.1100C>T (p.Thr367Met)

Genes: STK11 (serine/threonine kinase 11; plus strand), LOC130062899 (ATAC-STARR-seq lymphoblastoid active region 13597; plus strand). Cytogenetic location: 19p13.3.
Variant type: single nucleotide variant.
Coding change: c.1100C>T on transcript NM_000455.5 (MANE Select); coding-DNA position 1100, C replaced by T.
Protein change: p.Thr367Met; replaces threonine 367 with methionine.
Molecular consequence: missense variant.
Genome position (GRCh38, 1-based): chr19:1,223,164, C>T. VCF-style: chr19-1223164-C-T. GRCh37 (hg19) VCF-style: chr19-1223163-C-T.
Other names: short protein forms T367M.
Identifiers: ClinVar variation 142939 (VCV000142939.37), dbSNP rs587782835, ClinGen allele CA022292.
Genomic context (GRCh38, chr19:1,223,164, plus strand): 5'-CGGACGAGGACGAGGACCTCTTCGACATCGAGGATGACATCATCTACACTCAGGACTTCA[C>T]GGTGCCCGGTGAGTCTGGCGGGGGCCCCTGCCCGGCTCTGCTGACTCGGCCAGGATGTCC-3'
Protein context (NP_000446.1, residues 357-377): EDDIIYTQDF[Thr367Met]VPGQVPEEEA